The following is an entry in ClinVar:

ClinVar aggregate classification (germline): Uncertain significance. Review status: criteria provided, multiple submitters, no conflicts (2 of 4 stars). 2 submissions from 2 submitters: Uncertain significance (2). Last evaluated 2023-06-08.

Conditions:
Muscular dystrophy-dystroglycanopathy (congenital with brain and eye anomalies), type a, 8 (MDDGA8). Also called: WALKER-WARBURG SYNDROME OR MUSCLE-EYE-BRAIN DISEASE, GTDC2-RELATED. Identifiers: Orphanet 899, MedGen C3553813, MONDO:0013904, OMIM 614830.

Allele frequency attached by ClinVar (database versions not stated): gnomAD exomes 0.00001 and 0.00002; ExAC 0.00002; gnomAD 0.00004 and 0.00005; TOPMed 0.00005.

Submissions (2):

Mayo Clinic Laboratories, Mayo Clinic
Classification: Uncertain significance. Last evaluated: 2023-06-08. Review status: criteria provided, single submitter. Criteria: ACMG Guidelines, 2015. Collection method: clinical testing. Allele origin: germline. Observed: 1 variant allele.

Labcorp Genetics (formerly Invitae), Labcorp
Classification: Uncertain significance for Muscular dystrophy-dystroglycanopathy (congenital with brain and eye anomalies), type a, 8. Last evaluated: 2020-01-15. Review status: criteria provided, single submitter. Criteria: Invitae Variant Classification Sherloc (09022015). Collection method: clinical testing. Allele origin: germline.
Comment: This sequence change replaces glycine with serine at codon 200 of the POMGNT2 protein (p.Gly200Ser). The glycine residue is highly conserved and there is a small physicochemical difference between glycine and serine. This variant is present in population databases (rs750647755, ExAC 0.02%). This variant has not been reported in the literature in individuals with POMGNT2-related conditions. Algorithms developed to predict the effect of missense changes on protein structure and function (SIFT, PolyPhen-2, Align-GVGD) all suggest that this variant is likely to be disruptive, but these predictions have not been confirmed by published functional studies and their clinical significance is uncertain. In summary, the available evidence is currently insufficient to determine the role of this variant in disease. Therefore, it has been classified as a Variant of Uncertain Significance.

NM_032806.6(POMGNT2):c.598G>A (p.Gly200Ser)

Gene: POMGNT2 (protein O-linked mannose N-acetylglucosaminyltransferase 2 (beta 1,4-); minus strand). Cytogenetic location: 3p22.1.
Variant type: single nucleotide variant.
Coding change: c.598G>A on transcript NM_032806.6 (MANE Select); coding-DNA position 598, G replaced by A.
Protein change: p.Gly200Ser; replaces glycine 200 with serine.
Molecular consequence: missense variant.
Genome position (GRCh38, 1-based): chr3:43,080,834, C>T on the plus strand (G>A on the coding strand, the complement: POMGNT2 is on the minus strand). VCF-style: chr3-43080834-C-T. GRCh37 (hg19) VCF-style: chr3-43122326-C-T.
Other names: p.Gly200Ser; short protein forms G200S.
Identifiers: ClinVar variation 971152 (VCV000971152.7), dbSNP rs750647755, ClinGen allele CA2340030.